The following is an entry in ClinVar:

NM_014754.3(PTDSS1):c.1256G>A (p.Cys419Tyr)

Gene: PTDSS1 (phosphatidylserine synthase 1; plus strand). Cytogenetic location: 8q22.1.
Variant type: single nucleotide variant.
Coding change: c.1256G>A on transcript NM_014754.3 (MANE Select); coding-DNA position 1256, G replaced by A.
Protein change: p.Cys419Tyr; replaces cysteine 419 with tyrosine.
Molecular consequence: missense variant.
Genome position (GRCh38, 1-based): chr8:96,331,039, G>A. VCF-style: chr8-96331039-G-A. GRCh37 (hg19) VCF-style: chr8-97343267-G-A.
Other names: c.818G>A, p.Cys273Tyr (NM_001290225.2); c.1256G>A (NM_014754.2); short protein forms C273Y, C419Y.
Identifiers: ClinVar variation 1392898 (VCV001392898.9), dbSNP rs184841579, ClinGen allele CA4816803.
Genomic context (GRCh38, chr8:96,331,039, plus strand): 5'-CCAGGGAGTTCCTAAAATTCCTGCACTAAGCCTGTCTCTCTCCCTAGACCTACTCGGAGT[G>A]TGAAGATGGCACCTACAGTCCAGAGATCTCCTGGCATCACAGGAAAGGGACAAAAGGTAT-3'
Protein context (NP_055569.1, residues 409-429): YGHREKTYSE[Cys419Tyr]EDGTYSPEIS

ClinVar aggregate classification (germline): Uncertain significance. Review status: criteria provided, multiple submitters, no conflicts (2 of 4 stars). 2 submissions from 2 submitters: Uncertain significance (2). Last evaluated 2026-08-18.

Conditions:
PTDSS1-related disorder. Also called: PTDSS1-related condition.

Allele frequency attached by ClinVar (database versions not stated): gnomAD exomes below 0.00001; ExAC 0.00001; gnomAD 0.00001; 1000 Genomes Project 30x 0.00016; 1000 Genomes Project 0.00020.
gnomAD v4.1: 8 of 1,613,358 alleles (0.0005%); highest among the groups gnomAD compares: Admixed American, 0.012%; no homozygotes.

Submissions (2):

PreventionGenetics, part of Exact Sciences
Classification: Uncertain significance for PTDSS1-related condition. Last evaluated: 2026-08-18. Review status: criteria provided, single submitter. Criteria: ACMG Guidelines, 2015. Collection method: clinical testing. Allele origin: germline.
Comment: The PTDSS1 c.1256G>A variant is predicted to result in the amino acid substitution p.Cys419Tyr. To our knowledge, this variant has not been reported in the literature. This variant is reported in 0.0029% of alleles in individuals of Latino descent in gnomAD. At this time, the clinical significance of this variant is uncertain due to the absence of conclusive functional and genetic evidence.

Labcorp Genetics (formerly Invitae), Labcorp
Classification: Uncertain significance. Last evaluated: 2025-10-27. Review status: criteria provided, single submitter. Criteria: Invitae Variant Classification Sherloc (09022015). Collection method: clinical testing. Allele origin: germline.
Comment: This sequence change replaces cysteine, which is neutral and slightly polar, with tyrosine, which is neutral and polar, at codon 419 of the PTDSS1 protein (p.Cys419Tyr). This variant is present in population databases (rs184841579, gnomAD 0.003%). This variant has not been reported in the literature in individuals affected with PTDSS1-related conditions. ClinVar contains an entry for this variant (Variation ID: 1392898). An algorithm developed to predict the effect of missense changes on protein structure and function (PolyPhen-2) suggests that this variant is likely to be tolerated. In summary, the available evidence is currently insufficient to determine the role of this variant in disease. Therefore, it has been classified as a Variant of Uncertain Significance.